The following is an entry in ClinVar:

NM_006231.4(POLE):c.5974T>C (p.Cys1992Arg)

Gene: POLE (DNA polymerase epsilon, catalytic subunit; minus strand). Cytogenetic location: 12q24.33.
Variant type: single nucleotide variant.
Coding change: c.5974T>C on transcript NM_006231.4 (MANE Select); coding-DNA position 5974, T replaced by C.
Protein change: p.Cys1992Arg; replaces cysteine 1992 with arginine.
Molecular consequence: missense variant.
Genome position (GRCh38, 1-based): chr12:132,634,216, A>G on the plus strand (T>C on the coding strand, the complement: POLE is on the minus strand). VCF-style: chr12-132634216-A-G. GRCh37 (hg19) VCF-style: chr12-133210802-A-G.
Other names: short protein forms C1992R.
Identifiers: ClinVar variation 1489915 (VCV001489915.8), dbSNP rs2041989410, ClinGen allele CA387371469.
Genomic context (GRCh38, chr12:132,634,216, plus strand): 5'-GGGCTGCGCAGCCCTGGGCTCTGGGCTTACCTGAAACAATCATGAGGAAGTAGTTCTGGC[A>G]GGAGGCTGCCTGTGGCAAAAACTGCAAAATGTTCCAGTTGTTTTCCAGTAAATCCTCCAC-3'
Protein context (NP_006222.2, residues 1982-2002): ILQFLPQAAS[Cys1992Arg]QNYFLMIVSA

ClinVar aggregate classification (germline): Uncertain significance (1 of 4 stars; one submission).

Submission:

Labcorp Genetics (formerly Invitae), Labcorp
Classification: Uncertain significance. Last evaluated: 2021-01-30. Review status: criteria provided, single submitter. Criteria: Invitae Variant Classification Sherloc (09022015). Collection method: clinical testing. Allele origin: germline.
Comment: This variant is not present in population databases (ExAC no frequency). This sequence change replaces cysteine with arginine at codon 1992 of the POLE protein (p.Cys1992Arg). The cysteine residue is highly conserved and there is a large physicochemical difference between cysteine and arginine. This variant has not been reported in the literature in individuals with POLE-related conditions. In summary, the available evidence is currently insufficient to determine the role of this variant in disease. Therefore, it has been classified as a Variant of Uncertain Significance. Algorithms developed to predict the effect of missense changes on protein structure and function are either unavailable or do not agree on the potential impact of this missense change (SIFT: "Tolerated"; PolyPhen-2: "Probably Damaging"; Align-GVGD: "Class C0").